The following is an entry in ClinVar:

ClinVar aggregate classification (germline): Pathogenic/Likely pathogenic. Review status: criteria provided, multiple submitters, no conflicts (2 of 4 stars). 3 submissions from 3 submitters: Pathogenic (1); Likely pathogenic (2). Last evaluated 2025-04-17.

Conditions:
Primary ciliary dyskinesia. Also called: Ciliary dyskinesia. Identifiers: Orphanet 244, MedGen C0008780, MONDO:0016575, HP:0012265.
Primary ciliary dyskinesia 3. Identifiers: Orphanet 244, MedGen C1837618, MONDO:0012085, OMIM 608644.

Allele frequency attached by ClinVar (database versions not stated): gnomAD exomes below 0.00001; TOPMed 0.00001.

Submissions (3):

Natera, Inc.
Classification: Likely pathogenic for Primary ciliary dyskinesia. Last evaluated: 2025-04-17. Review status: criteria provided, single submitter. Criteria: Natera Variant Classification Schema (03/2026). Collection method: clinical testing. Allele origin: germline.
Comment: The c.8385delA variant in DNAH5 is a frameshift variant predicted to shift the reading frame beginning at codon 2796 and leads to a stop codon 10 codons downstream. This variant is expected to result in nonsense mediated decay, truncation, or a dysfunctional protein product. This variant is rare in the general population with a frequency below the threshold expected for the associated phenotype(s). Given the available evidence, this variant is classified as Likely Pathogenic.

Fulgent Genetics
Classification: Likely pathogenic for Primary ciliary dyskinesia 3. Last evaluated: 2024-02-22. Review status: criteria provided, single submitter. Criteria: ACMG Guidelines, 2015. Collection method: clinical testing. Allele origin: germline.

Labcorp Genetics (formerly Invitae), Labcorp
Classification: Pathogenic for Primary ciliary dyskinesia. Last evaluated: 2023-04-08. Review status: criteria provided, single submitter. Criteria: Invitae Variant Classification Sherloc (09022015). Collection method: clinical testing. Allele origin: germline.
Comment: For these reasons, this variant has been classified as Pathogenic. ClinVar contains an entry for this variant (Variation ID: 958051). This variant has not been reported in the literature in individuals affected with DNAH5-related conditions. This variant is present in population databases (no rsID available, gnomAD 0.003%). This sequence change creates a premature translational stop signal (p.Asp2796Ilefs*10) in the DNAH5 gene. It is expected to result in an absent or disrupted protein product. Loss-of-function variants in DNAH5 are known to be pathogenic (PMID: 11788826, 16627867).

Literature cited by the submitters: PubMed 11788826 (cited by Labcorp Genetics (formerly Invitae), Labcorp); PubMed 16627867 (cited by Labcorp Genetics (formerly Invitae), Labcorp).

NM_001369.3(DNAH5):c.8385del (p.Asp2796fs)

Gene: DNAH5 (dynein axonemal heavy chain 5; minus strand). Cytogenetic location: 5p15.2.
Variant type: Deletion.
Coding change: c.8385del on transcript NM_001369.3 (MANE Select); coding-DNA position 8385, one base deleted (A; older notation c.8385delA).
Protein change: p.Asp2796fs; shifts the reading frame from aspartic acid 2796.
Molecular consequence: frameshift variant.
Genome position (GRCh38, 1-based): chr5:13,792,057, T deleted on the plus strand (A on the coding strand, the reverse complement: DNAH5 is on the minus strand). VCF-style (leftmost placement, unchanged base first): chr5-13792056-CT-C. GRCh37 (hg19) VCF-style: chr5-13792165-CT-C.
Other names: c.8385delA (NM_001369.2); short protein forms D2796fs.
Identifiers: ClinVar variation 958051 (VCV000958051.9), dbSNP rs1178766548, ClinGen allele CA557876593.
Genomic context (GRCh38, chr5:13,792,056, plus strand): 5'-TTGGTTCCTTGATGACCTCTGAAGTAGTGTTCAGCATTCCCTGCCAGACCCGAGAAAGAT[CT>C]CGTAGGTTAAACACATAATGGAATTTTGCAGGGGTAGGAAGCATTTTAATCTTGGTCATC-3'